The following is an entry in ClinVar:

NM_024496.4(IRF2BPL):c.863C>A (p.Ala288Asp)

Gene: IRF2BPL (interferon regulatory factor 2 binding protein like; minus strand). Cytogenetic location: 14q24.3.
Variant type: single nucleotide variant.
Coding change: c.863C>A on transcript NM_024496.4 (MANE Select); coding-DNA position 863, C replaced by A.
Protein change: p.Ala288Asp; replaces alanine 288 with aspartic acid.
Molecular consequence: missense variant.
Genome position (GRCh38, 1-based): chr14:77,026,930, G>T on the plus strand (C>A on the coding strand, the complement: IRF2BPL is on the minus strand). VCF-style: chr14-77026930-G-T. GRCh37 (hg19) VCF-style: chr14-77493273-G-T.
Other names: short protein forms A288D.
Identifiers: ClinVar variation 1342356 (VCV001342356.1), dbSNP rs1885144763, ClinGen allele CA390497553.

ClinVar aggregate classification (germline): Uncertain significance (1 of 4 stars; one submission).

Conditions:
Neurodevelopmental disorder with regression, abnormal movements, loss of speech, and seizures. Identifiers: Orphanet 597623, MedGen C4748127, MONDO:0060759, OMIM 618088.

Submission:

New York Genome Center
Classification: Uncertain significance for Neurodevelopmental disorder with regression, abnormal movements, loss of speech, and seizures. Last evaluated: 2021-03-05. Review status: criteria provided, single submitter. Criteria: NYGC Assertion Criteria 2020. Collection method: clinical testing. Allele origin: inherited. Observed: 1 heterozygote. Study: CSER-NYCKidSeq.
Comment: The inherited variant c.863C>A, p.Ala288Asp in IRF2BPL has not been reported in the literature. The variant is absent from gnomAD v3.1 database indicating this is a rare variant and in silico tools predict conflicting interpretation of pathogenicity. Based on the available evidence, the variant c.863C>A, p.Ala288Asp in the IRF2BPL gene is classified as a Variant of Uncertain Significance.